The following is an entry in ClinVar:

ClinVar aggregate classification (germline): Likely pathogenic (1 of 4 stars; one submission).

Conditions:
spastic paraplegia 69 (SPG69).

Submission:

Genetics Research Center, University of Social Welfare and Rehabilitation Sciences
Classification: Likely pathogenic for spastic paraplegia 69 (SPG69). Review status: criteria provided, single submitter. Criteria: ACMG Guidelines, 2015. Collection method: clinical testing. Allele origin: germline. Inheritance: Autosomal recessive inheritance. Affected: yes. Observed: 1 variant allele, 1 homozygote.
Comment: The ​c.3813_3815delAAG​(p.Arg1272del) variant causes a disruptive inframe deletion change in a non-repetitive region. The variant was absent in control chromosomes in GnomAD project. It co-segregated with disease within the family. Overall, meeting PM2, PM4, and PP1 ACMG criteria.

Literature cited by the submitters: PubMed 42120987.

NM_012414.4(RAB3GAP2):c.3813_3815del (p.Arg1272del)

Gene: RAB3GAP2 (RAB3 GTPase activating non-catalytic protein subunit 2; minus strand). Cytogenetic location: 1q41.
Variant type: Deletion.
Coding change: c.3813_3815del on transcript NM_012414.4 (MANE Select); coding-DNA positions 3813 to 3815, 3 bases deleted (AAG; older notation c.3813_3815delAAG).
Protein change: p.Arg1272del; deletes arginine 1272.
Molecular consequence: inframe deletion.
Genome position (GRCh38, 1-based): chr1:220,153,237-220,153,239, CTT deleted on the plus strand (AAG on the coding strand, the reverse complement: RAB3GAP2 is on the minus strand); deleting any 3 consecutive bases within chr1:220,153,237-220,153,241 gives the same sequence; the c. name uses the placement nearest the transcript's 3' end. VCF-style (leftmost placement, unchanged base first): chr1-220153236-CCTT-C. GRCh37 (hg19) VCF-style: chr1-220326578-CCTT-C.
Other names: short protein forms R1272del.
Identifiers: ClinVar variation 4857175 (VCV004857175.1).